The following is an entry in ClinVar:

NM_000489.6(ATRX):c.116C>T (p.Ala39Val)

Gene: ATRX (ATRX chromatin remodeler; minus strand). Cytogenetic location: Xq21.1.
Variant type: single nucleotide variant.
Coding change: c.116C>T on transcript NM_000489.6 (MANE Select); coding-DNA position 116, C replaced by T.
Protein change: p.Ala39Val; replaces alanine 39 with valine.
Molecular consequence: missense variant.
Genome position (GRCh38, 1-based): chrX:77,717,148, G>A on the plus strand (C>T on the coding strand, the complement: ATRX is on the minus strand). VCF-style: chrX-77717148-G-A. GRCh37 (hg19) VCF-style: chrX-76972625-G-A.
Other names: c.116C>T, p.Ala39Val (NM_138270.5); short protein forms A39V.
Identifiers: ClinVar variation 2115512 (VCV002115512.4), dbSNP rs2520309242, ClinGen allele CA413724565.

ClinVar aggregate classification (germline): Uncertain significance (1 of 4 stars; one submission).

Conditions:
Alpha thalassemia-X-linked intellectual disability syndrome (ATRX). Also called: ALPHA-THALASSEMIA/MENTAL RETARDATION SYNDROME, X-LINKED; ATR, NONDELETION TYPE; ATR-X syndrome; Alpha thalassemia mental retardation syndrome, nondeletion type, X-linked; XLMR hypotonic face syndrome; X-linked alpha-thalassemia-mental retardation syndrome. Identifiers: Orphanet 847, MedGen C1845055, MONDO:0010519, OMIM 301040.

gnomAD v4.1: 2 of 1,205,841 alleles (0.00017%); highest among the groups gnomAD compares: African/African-American, 0.0017%; no homozygotes.

Submission:

Labcorp Genetics (formerly Invitae), Labcorp
Classification: Uncertain significance for Alpha thalassemia-X-linked intellectual disability syndrome. Last evaluated: 2022-09-22. Review status: criteria provided, single submitter. Criteria: Invitae Variant Classification Sherloc (09022015). Collection method: clinical testing. Allele origin: germline.
Comment: In summary, the available evidence is currently insufficient to determine the role of this variant in disease. Therefore, it has been classified as a Variant of Uncertain Significance. Advanced modeling of protein sequence and biophysical properties (such as structural, functional, and spatial information, amino acid conservation, physicochemical variation, residue mobility, and thermodynamic stability) performed at Invitae indicates that this missense variant is not expected to disrupt ATRX protein function. This variant has not been reported in the literature in individuals affected with ATRX-related conditions. This variant is not present in population databases (gnomAD no frequency). This sequence change replaces alanine, which is neutral and non-polar, with valine, which is neutral and non-polar, at codon 39 of the ATRX protein (p.Ala39Val).